The following is an entry in ClinVar:

NM_002439.5(MSH3):c.2911T>G (p.Leu971Val)

Gene: MSH3 (mutS homolog 3; plus strand). Cytogenetic location: 5q14.1.
Variant type: single nucleotide variant.
Coding change: c.2911T>G on transcript NM_002439.5 (MANE Select); coding-DNA position 2911, T replaced by G.
Protein change: p.Leu971Val; replaces leucine 971 with valine.
Molecular consequence: missense variant.
Genome position (GRCh38, 1-based): chr5:80,854,227, T>G. VCF-style: chr5-80854227-T-G. GRCh37 (hg19) VCF-style: chr5-80150046-T-G.
Other names: c.2911T>G (NM_002439.3); short protein forms L971V.
Identifiers: ClinVar variation 1480478 (VCV001480478.9), dbSNP rs2112106484, ClinGen allele CA360275672.

ClinVar aggregate classification (germline): Uncertain significance. Review status: criteria provided, multiple submitters, no conflicts (2 of 4 stars). 2 submissions from 2 submitters: Uncertain significance (2). Last evaluated 2024-05-10.

Conditions:
Hereditary cancer-predisposing syndrome. Also called: Tumor predisposition; Hereditary Cancer Syndrome; Hereditary neoplastic syndrome; Neoplastic Syndromes, Hereditary. Identifiers: Orphanet 140162, MedGen C0027672, MeSH D009386, MONDO:0015356.

Submissions (2):

Ambry Genetics
Classification: Uncertain significance for Hereditary cancer-predisposing syndrome. Last evaluated: 2024-05-10. Review status: criteria provided, single submitter. Criteria: Ambry Variant Classification Scheme 2023. Collection method: clinical testing. Allele origin: germline.
Comment: The p.L971V variant (also known as c.2911T>G), located in coding exon 21 of the MSH3 gene, results from a T to G substitution at nucleotide position 2911. The leucine at codon 971 is replaced by valine, an amino acid with highly similar properties. This amino acid position is conserved. In addition, this alteration is predicted to be deleterious by in silico analysis. Based on the available evidence, the clinical significance of this variant remains unclear.

Labcorp Genetics (formerly Invitae), Labcorp
Classification: Uncertain significance. Last evaluated: 2023-09-22. Review status: criteria provided, single submitter. Criteria: Invitae Variant Classification Sherloc (09022015). Collection method: clinical testing. Allele origin: germline.
Comment: In summary, the available evidence is currently insufficient to determine the role of this variant in disease. Therefore, it has been classified as a Variant of Uncertain Significance. An algorithm developed to predict the effect of missense changes on protein structure and function (PolyPhen-2) suggests that this variant is likely to be disruptive. ClinVar contains an entry for this variant (Variation ID: 1480478). This variant has not been reported in the literature in individuals affected with MSH3-related conditions. This variant is not present in population databases (gnomAD no frequency). This sequence change replaces leucine, which is neutral and non-polar, with valine, which is neutral and non-polar, at codon 971 of the MSH3 protein (p.Leu971Val).